The following is an entry in ClinVar:

ClinVar aggregate classification (germline): Uncertain significance. Review status: criteria provided, multiple submitters, no conflicts (2 of 4 stars). 2 submissions from 2 submitters: Uncertain significance (2). Last evaluated 2025-06-27.

Allele frequency attached by ClinVar (database versions not stated): ExAC 0.00001; gnomAD 0.00001; TOPMed 0.00001.
gnomAD v4.1: 43 of 1,614,020 alleles (0.0027%); highest among the groups gnomAD compares: Non-Finnish European, 0.0036%; no homozygotes.

Submissions (2):

Labcorp Genetics (formerly Invitae), Labcorp
Classification: Uncertain significance. Last evaluated: 2025-06-27. Review status: criteria provided, single submitter. Criteria: Invitae Variant Classification Sherloc (09022015). Collection method: clinical testing. Allele origin: germline.
Comment: This sequence change replaces valine, which is neutral and non-polar, with isoleucine, which is neutral and non-polar, at codon 494 of the NPAT protein (p.Val494Ile). This variant is present in population databases (rs776199761, gnomAD 0.003%). This variant has not been reported in the literature in individuals affected with NPAT-related conditions. ClinVar contains an entry for this variant (Variation ID: 1773561). An algorithm developed to predict the effect of missense changes on protein structure and function outputs the following: PolyPhen-2: "Benign". The isoleucine amino acid residue is found in multiple mammalian species, which suggests that this missense change does not adversely affect protein function. In summary, the available evidence is currently insufficient to determine the role of this variant in disease. Therefore, it has been classified as a Variant of Uncertain Significance.

Ambry Genetics
Classification: Uncertain significance. Last evaluated: 2022-04-22. Review status: criteria provided, single submitter. Criteria: Ambry Variant Classification Scheme 2023. Collection method: clinical testing. Allele origin: germline.
Comment: The p.V494I variant (also known as c.1480G>A), located in coding exon 13 of the NPAT gene, results from a G to A substitution at nucleotide position 1480. The valine at codon 494 is replaced by isoleucine, an amino acid with highly similar properties. This amino acid position is conserved. In addition, this alteration is predicted to be tolerated by in silico analysis. Since supporting evidence is limited at this time, the clinical significance of this alteration remains unclear.

NM_002519.3(NPAT):c.1480G>A (p.Val494Ile)

Gene: NPAT (nuclear protein, coactivator of histone transcription; minus strand). Cytogenetic location: 11q22.3.
Variant type: single nucleotide variant.
Coding change: c.1480G>A on transcript NM_002519.3 (MANE Select); coding-DNA position 1480, G replaced by A.
Protein change: p.Val494Ile; replaces valine 494 with isoleucine.
Molecular consequence: missense variant.
Genome position (GRCh38, 1-based): chr11:108,173,504, C>T on the plus strand (G>A on the coding strand, the complement: NPAT is on the minus strand). VCF-style: chr11-108173504-C-T. GRCh37 (hg19) VCF-style: chr11-108044231-C-T.
Other names: c.1480G>A, p.Val494Ile (NM_001321307.1); short protein forms V494I.
Identifiers: ClinVar variation 1773561 (VCV001773561.3), dbSNP rs776199761, ClinGen allele CA6263988.